The following is an entry in ClinVar:

ClinVar aggregate classification (germline): Uncertain significance (1 of 4 stars; one submission).

Conditions:
Cystic fibrosis (CF). Also called: MUCOVISCIDOSIS. Identifiers: Orphanet 586, MedGen C0010674, MONDO:0009061, OMIM 219700. Disease mechanism: loss of function.

Submission:

Ambry Genetics
Classification: Uncertain significance for Cystic fibrosis. Last evaluated: 2025-02-03. Review status: criteria provided, single submitter. Criteria: Ambry Variant Classification Scheme 2023. Collection method: clinical testing. Allele origin: germline.
Comment: The p.I328M variant (also known as c.984C>G), located in coding exon 8 of the CFTR gene, results from a C to G substitution at nucleotide position 984. The isoleucine at codon 328 is replaced by methionine, an amino acid with highly similar properties. This amino acid position is conserved. In addition, this alteration is predicted to be tolerated by in silico analysis. Based on the available evidence, the clinical significance of this variant remains unclear.

NM_000492.4(CFTR):c.984C>G (p.Ile328Met)

Gene: CFTR (CF transmembrane conductance regulator; plus strand). Cytogenetic location: 7q31.2.
Variant type: single nucleotide variant.
Coding change: c.984C>G on transcript NM_000492.4 (MANE Select); coding-DNA position 984, C replaced by G.
Protein change: p.Ile328Met; replaces isoleucine 328 with methionine.
Molecular consequence: missense variant.
Genome position (GRCh38, 1-based): chr7:117,540,214, C>G. VCF-style: chr7-117540214-C-G. GRCh37 (hg19) VCF-style: chr7-117180268-C-G.
Other names: short protein forms I328M.
Identifiers: ClinVar variation 3832588 (VCV003832588.1).